The following is an entry in ClinVar:

NM_002834.5(PTPN11):c.209A>G (p.Lys70Arg)

Gene: PTPN11 (protein tyrosine phosphatase non-receptor type 11; plus strand). Cytogenetic location: 12q24.13.
Variant type: single nucleotide variant.
Coding change: c.209A>G on transcript NM_002834.5 (MANE Select); coding-DNA position 209, A replaced by G.
Protein change: p.Lys70Arg; replaces lysine 70 with arginine.
Molecular consequence: missense variant.
Genome position (GRCh38, 1-based): chr12:112,450,389, A>G. VCF-style: chr12-112450389-A-G. GRCh37 (hg19) VCF-style: chr12-112888193-A-G.
Other names: c.209A>G, p.Lys70Arg (NM_001330437.2, NM_080601.3); c.206A>G, p.Lys69Arg (NM_001374625.1); short protein forms K70R, K69R.
Identifiers: ClinVar variation 44603 (VCV000044603.25), dbSNP rs397516801, ClinGen allele CA261568.

ClinVar aggregate classification (germline): Pathogenic. Review status: reviewed by expert panel (3 of 4 stars). 12 submissions from 12 submitters: Pathogenic (1). 11 of the submissions do not count toward it. Last evaluated 2020-06-25.

Conditions:
PTPN11-related disorder. Also called: PTPN11-Related Disorders.
Noonan syndrome 1 (NS1). Also called: FEMALE PSEUDO-TURNER SYNDROME; TURNER PHENOTYPE WITH NORMAL KARYOTYPE; PTPN11-Related Noonan Syndrome. Identifiers: Orphanet 648, MedGen C4551602, MONDO:0008104, OMIM 163950. Disease mechanism: gain of function.
LEOPARD syndrome 1 (LPRD1). Also called: LENTIGINOSIS, CARDIOMYOPATHIC; MULTIPLE LENTIGINES SYNDROME; PTPN11-Related LEOPARD Syndrome. Identifiers: Orphanet 500, MedGen C4551484, MONDO:0100082, OMIM 151100.
Juvenile myelomonocytic leukemia (JMML). Also called: LEUKEMIA, JUVENILE MYELOMONOCYTIC, SOMATIC. Identifiers: Orphanet 86834, MedGen C0349639, MONDO:0011908, OMIM 607785, HP:0012209.
Metachondromatosis (METCDS). Identifiers: Orphanet 2499, MedGen C0410530, MONDO:0007979, OMIM 156250.
RASopathy. Also called: rasopathies; Noonan spectrum disorder. Identifiers: Orphanet 536391, MedGen C5555857, MONDO:0021060.
Noonan syndrome (NS). Also called: Noonan's syndrome. Identifiers: Orphanet 648, MedGen C0028326, MeSH D009634, MONDO:0018997. Disease mechanism: gain of function.

Allele frequency attached by ClinVar (database versions not stated): gnomAD exomes below 0.00001.
gnomAD v4.1: 2 of 1,613,656 alleles (0.00012%); highest among the groups gnomAD compares: African/African-American, 0.0013%; no homozygotes.

Submissions (12):

ClinGen RASopathy Variant Curation Expert Panel
Classification: Pathogenic for RASopathy. Last evaluated: 2020-06-25. Review status: reviewed by expert panel. Criteria: ClinGen RASopathy ACMG Specifications v1. Collection method: curation. Allele origin: germline. Inheritance: Autosomal dominant inheritance.
Comment: The c.2019A>G (p.Lys70Arg) variant in PTPN11 was absent from large population studies (PM2; gnomAD). It has been identified in at least 6 probands with Noonan syndrome (PS4; SCV000061296.6; PMID: 29084544).One case was described as an unconfirmed de novo occurrence (PM6; PMID: 29084544). It has been reported to segregate with clinical features of a RASopathy in at least 3 family members (PP1; SCV000061296.6). Furthermore, the variant is in a location that has been defined by the ClinGen RASopathy Expert Panel to be a mutational hotspot or domain of PTPN11 (PM1; PMID: 29493581). Finally, PTPN11 has been defined by the ClinGen RASopathy Expert Panel as a gene with a low rate of benign missense variants and pathogenic missense variants are common (PP2; PMID: 29493581). In summary, this variant meets criteria to be classified as pathogenic for RASopathies in an autosomal dominant manner. Rasopathy-specific ACMG/AMP criteria applied (PMID:29493581): PS4, PM6, PM1, PM2, PP1, PP2.

Labcorp Genetics (formerly Invitae), Labcorp
Classification: Pathogenic for RASopathy. Last evaluated: 2025-11-24. Review status: criteria provided, single submitter. Criteria: Invitae Variant Classification Sherloc (09022015). Collection method: clinical testing. Allele origin: germline. Not counted in ClinVar's aggregate classification.
Comment: This sequence change replaces lysine, which is basic and polar, with arginine, which is basic and polar, at codon 70 of the PTPN11 protein (p.Lys70Arg). This variant is not present in population databases (gnomAD no frequency). This missense change has been observed in individual(s) with Noonan syndrome (PMID: 29084544). In at least one individual the variant was observed to be de novo. ClinVar contains an entry for this variant (Variation ID: 44603). Invitae Evidence Modeling of protein sequence and biophysical properties (such as structural, functional, and spatial information, amino acid conservation, physicochemical variation, residue mobility, and thermodynamic stability) indicates that this missense variant is expected to disrupt PTPN11 protein function with a positive predictive value of 95%. For these reasons, this variant has been classified as Pathogenic.

GeneDx
Classification: Pathogenic. Last evaluated: 2025-09-25. Review status: criteria provided, single submitter. Criteria: GeneDx Variant Classification Process June 2021. Collection method: clinical testing. Allele origin: germline. Affected: yes. Not counted in ClinVar's aggregate classification.
Comment: In silico analysis suggests that this missense variant does not alter protein structure/function; Missense variants in this gene are a common cause of disease and they are underrepresented in the general population; Not observed at significant frequency in large population cohorts (gnomAD); This variant is associated with the following publications: (PMID: 34346503, 29084544, 30050098, 29907801, 32037394, 34358384, 11992261, 9491886, 16053901, 29493581)

Fulgent Genetics
Classification: Likely pathogenic for LEOPARD syndrome 1; Metachondromatosis; Noonan syndrome 1; Juvenile myelomonocytic leukemia. Last evaluated: 2024-04-09. Review status: criteria provided, single submitter. Criteria: ACMG Guidelines, 2015. Collection method: clinical testing. Allele origin: germline. Not counted in ClinVar's aggregate classification.

Laboratory of Medical Genetics, University of Torino
Classification: Pathogenic for LEOPARD syndrome 1. Last evaluated: 2022-11-29. Review status: criteria provided, single submitter. Criteria: ACMG Guidelines, 2015. Collection method: research. Allele origin: germline. Affected: yes. Study: NeuroWES. Not counted in ClinVar's aggregate classification.

Blueprint Genetics
Classification: Pathogenic for PTPN11-related disorders. Last evaluated: 2022-04-22. Review status: criteria provided, single submitter. Criteria: ACMG Guidelines, 2015. Collection method: clinical testing. Allele origin: germline. Affected: yes. Observed: 2 variant alleles. Not counted in ClinVar's aggregate classification.

Women's Health and Genetics/Laboratory Corporation of America, LabCorp
Classification: Pathogenic for Rasopathy. Last evaluated: 2020-07-08. Review status: criteria provided, single submitter. Criteria: LabCorp Variant Classification Summary - May 2015. Collection method: clinical testing. Allele origin: germline. Not counted in ClinVar's aggregate classification.
Comment: Variant summary: PTPN11 c.209A>G (p.Lys70Arg) results in a conservative amino acid change located in the SH2 domain (IPR000980) of the encoded protein sequence. Four of five in-silico tools predict a damaging effect of the variant on protein function. The variant was absent in 251054 control chromosomes (gnomAD). c.209A>G has been reported in the literature in individuals affected with and/or undergoing diagnostic evaluation for Noonan Syndrome And Related Conditions (e.g. Leach_2019, Xu_2017). At least one case of a confirmed de novo occurrence in an individual with Noonan syndrome has been reported (Xu_2017). In addition, a ClinVar submitter reports the variant in at least 5 individuals with clinical features of a RASopathy, including segregation with disease in 3 affected relatives (SCV000061296.6). These data indicate that the variant is very likely to be associated with disease. To our knowledge, no experimental evidence demonstrating an impact on protein function has been reported. Four ClinVar submitters (evaluation after 2014) cite the variant as pathogenic (n=2)/likely pathogenic (n=2). Some submitters cite overlapping evidence utilized in the context of this evaluation. Recently the ClinGen RASopathy Variant Curation Expert Panel settled on a classification of Pathogenic for this variant (personal communication, June 2020). Based on the evidence outlined above, the variant was re-classified as pathogenic.

Laboratory for Molecular Medicine, Mass General Brigham Personalized Medicine
Classification: Pathogenic for Noonan syndrome. Last evaluated: 2018-05-02. Review status: criteria provided, single submitter. Criteria: LMM Criteria. Collection method: clinical testing. Allele origin: germline. Inheritance: Autosomal dominant inheritance. Observed: 8 variant alleles. Not counted in ClinVar's aggregate classification.
Comment: The p.Lys70Arg variant in PTPN11 has been identified in >5 individuals with clin ical features of a RASopathy, including confirmed de novo inheritance in 1 indiv idual, and segregated with disease in 3 affected relatives (LMM data, Xu 2017). This variant was absent from large population studies and is reported in ClinVar (Variation ID: 44603). Computational prediction tools and conservation analysis do not provide strong support for or against an impact to the protein. This var iant is located in the directly interacting residues between N-SH2 and the PTPN domains, where pathogenic missense variants are common. In summary, this variant meets criteria to be classified as pathogenic for Noonan syndrome in an autosom al dominant manner based upon presence in affected individuals, de novo observat ion, segregation with disease, and absence from controls. ACMG/AMP Criteria appl ied: PS4, PM1, PM2, PM6, PP1.

3billion
Classification: Pathogenic for Noonan syndrome 1. Review status: criteria provided, single submitter. Criteria: ACMG Guidelines, 2015. Collection method: clinical testing. Allele origin: unknown. Affected: yes. Observed: 1 heterozygote. Not counted in ClinVar's aggregate classification.
Comment: The variant is not observed in the gnomAD v2.1.1 dataset. The variant is located in a mutational hot spot and/or well-established functional domain in which established pathogenic variants have been reported. Missense changes are a common disease-causing mechanism. In silico tool predictions suggest damaging effect of the variant on gene or gene product (REVEL: 0.67; 3Cnet: 0.73). Same nucleotide change resulting in same amino acid change has been previously reported as pathogenic/likely pathogenic with strong evidence (ClinVar ID: VCV000044603 / PMID: 29084544). The variant has been previously reported as assumed (i.e. paternity and maternity not confirmed) de novo in at least one similarly affected unrelated individual (PMID: 29084544). Therefore, this variant is classified as Pathogenic according to the recommendation of ACMG/AMP guideline.

Juno Genomics, Hangzhou Juno Genomics, Inc
Classification: Pathogenic for Noonan syndrome 1. Review status: criteria provided, single submitter. Criteria: ACMG Guidelines, 2015. Collection method: clinical testing. Allele origin: germline. Affected: yes. Not counted in ClinVar's aggregate classification.
Comment: Absent from controls (or at extremely low frequency if recessive) in Genome Aggregation Database, Exome Sequencing Project, 1000 Genomes Project, or Exome Aggregation Consortium.;Multiple lines of computational evidence support a deleterious effect on the gene or gene product (conservation, evolutionary, splicing impact, etc).;Missense variant in a gene that has a low rate of benign missense variation and where missense variants are a common mechanism of disease.;Located in a mutational hot spot and/or critical and well-established functional domain (e.g. active site of an enzyme) without benign variation.;The prevalence of the variant in affected individuals is significantly increased compared to the prevalence in controls.;Assumed de novo, but without confirmation of paternity and maternity.

Clinical Molecular Genetics Laboratory, Johns Hopkins All Children's Hospital
Classification: Likely pathogenic for Noonan syndrome. Last evaluated: 2019-12-26. Review status: no assertion criteria provided. Collection method: clinical testing. Allele origin: germline. Inheritance: Autosomal dominant inheritance. Affected: yes. Observed: 1 heterozygote. Not counted in ClinVar's aggregate classification.

Service de Génétique Moléculaire, Hôpital Robert Debré
Classification: Likely pathogenic for Noonan syndrome. Review status: no assertion criteria provided. Collection method: clinical testing. Allele origin: de novo. Affected: yes. Not counted in ClinVar's aggregate classification.

Literature cited by the submitters: PubMed 29084544 (cited by 5 submitters); PubMed 29907801 (cited by Women's Health and Genetics/Laboratory Corporation of America, LabCorp); PubMed 29493581 (cited by 3billion).